The following is an entry in ClinVar:

NM_001164508.2(NEB):c.22330C>G (p.Pro7444Ala)

Genes: NEB (nebulin; minus strand), RIF1 (replication timing regulatory factor 1; plus strand). Cytogenetic location: 2q23.3.
Variant type: single nucleotide variant.
Coding change: c.22330C>G on transcript NM_001164508.2 (MANE Select); coding-DNA position 22330, C replaced by G.
Protein change: p.Pro7444Ala; replaces proline 7444 with alanine.
Molecular consequence: missense variant.
Genome position (GRCh38, 1-based): chr2:151,524,559, G>C on the plus strand (C>G on the coding strand, the complement: NEB is on the minus strand). VCF-style: chr2-151524559-G-C. GRCh37 (hg19) VCF-style: chr2-152381073-G-C.
Other names: c.17227C>G (NM_004543.4); c.22330C>G, p.Pro7444Ala (NM_001164507.2); c.22435C>G, p.Pro7479Ala (NM_001271208.2); c.17227C>G, p.Pro5743Ala (NM_004543.5); short protein forms P5743A, P7444A, P7479A.
Identifiers: ClinVar variation 1960675 (VCV001960675.6), dbSNP rs771868579, ClinGen allele CA1906682.
Genomic context (GRCh38, chr2:151,524,559, plus strand): 5'-TTCATGACACCCTTACCTCACTGGCCTGTTTGGCTGCCTGTGTGGCCTTCTTGATGTCTG[G>C]TCGATCAGCCACTGTGGTGTAATGCAGGTTCTCTTTGGCATCTTTTCTGTAAGCGACCTT-3'
Protein context (NP_001157980.2, residues 7434-7454): NLHYTTVADR[Pro7444Ala]DIKKATQAAK

ClinVar aggregate classification (germline): Uncertain significance. Review status: criteria provided, multiple submitters, no conflicts (2 of 4 stars). 2 submissions from 2 submitters: Uncertain significance (2). Last evaluated 2023-12-27.

Conditions:
Nemaline myopathy 2 (NEM2). Also called: Nemaline myopathy 2, autosomal recessive. Identifiers: MedGen C1850569, MONDO:0009725, OMIM 256030.
Inborn genetic diseases. Identifiers: MedGen C0950123, MeSH D030342.

gnomAD v4.1: 1 of 1,613,058 alleles (0.000062%); highest among the groups gnomAD compares: Non-Finnish European, 0.000085%; no homozygotes.

Submissions (2):

Ambry Genetics
Classification: Uncertain significance for Inborn genetic diseases. Last evaluated: 2023-12-27. Review status: criteria provided, single submitter. Criteria: Ambry Variant Classification Scheme 2023. Collection method: clinical testing. Allele origin: germline.

Labcorp Genetics (formerly Invitae), Labcorp
Classification: Uncertain significance for Nemaline myopathy 2. Last evaluated: 2022-09-21. Review status: criteria provided, single submitter. Criteria: Invitae Variant Classification Sherloc (09022015). Collection method: clinical testing. Allele origin: germline.
Comment: In summary, the available evidence is currently insufficient to determine the role of this variant in disease. Therefore, it has been classified as a Variant of Uncertain Significance. Algorithms developed to predict the effect of missense changes on protein structure and function are either unavailable or do not agree on the potential impact of this missense change (SIFT: "Deleterious"; PolyPhen-2: "Not Available"; Align-GVGD: "Class C0"). This variant has not been reported in the literature in individuals affected with NEB-related conditions. This variant is present in population databases (rs771868579, gnomAD 0.0009%). This sequence change replaces proline, which is neutral and non-polar, with alanine, which is neutral and non-polar, at codon 7479 of the NEB protein (p.Pro7479Ala).